The following is an entry in ClinVar:

ClinVar aggregate classification (germline): Uncertain significance. Review status: criteria provided, multiple submitters, no conflicts (2 of 4 stars). 2 submissions from 2 submitters: Uncertain significance (2). Last evaluated 2026-08-04.

Conditions:
Severe combined immunodeficiency, autosomal recessive, T cell-negative, B cell-negative, NK cell-positive. Also called: Severe combined immunodeficiency due to complete RAG1/2 deficiency; SCID, T CELL-NEGATIVE, B CELL-NEGATIVE, NK CELL-POSITIVE; SCID, AR, T-cell negative, B-cell negative, NK cell-positive. Identifiers: Orphanet 331206, MedGen C1832322, MONDO:0011086, OMIM 601457.
Combined immunodeficiency with skin granulomas. Identifiers: Orphanet 157949, MedGen C2673536, MONDO:0009306, OMIM 233650.
Recombinase activating gene 2 deficiency. Also called: RAG2 deficiency. Identifiers: MedGen CN257931, MONDO:0000573.

Submissions (2):

Myriad Genetics, Inc.
Classification: Uncertain significance for Recombinase activating gene 2 deficiency. Last evaluated: 2026-08-04. Review status: criteria provided, single submitter. Criteria: Myriad Autosomal Dominant, Autosomal Recessive and X-Linked Classification Criteria (2023). Collection method: clinical testing. Allele origin: unknown.
Comment: NM_001243785.1(RAG2):c.286G>A(G96R) is a missense variant classified as a variant of uncertain significance in the context of severe combined immunodeficiency, RAG2-related. G96R has been observed in a case with relevant disease (PMID: 37898571). Relevant functional assessments of this variant are not available in the literature. G96R has not been observed in referenced population frequency databases. In summary, there is insufficient evidence to classify NM_001243785.1(RAG2):c.286G>A(G96R) as pathogenic or benign. Please note: this variant was assessed in the context of healthy population screening.

Labcorp Genetics (formerly Invitae), Labcorp
Classification: Uncertain significance for Combined immunodeficiency with skin granulomas; Severe combined immunodeficiency, autosomal recessive, T cell-negative, B cell-negative, NK cell-positive. Last evaluated: 2022-05-28. Review status: criteria provided, single submitter. Criteria: Invitae Variant Classification Sherloc (09022015). Collection method: clinical testing. Allele origin: germline.
Comment: This sequence change replaces glycine, which is neutral and non-polar, with arginine, which is basic and polar, at codon 96 of the RAG2 protein (p.Gly96Arg). This variant is not present in population databases (gnomAD no frequency). In summary, the available evidence is currently insufficient to determine the role of this variant in disease. Therefore, it has been classified as a Variant of Uncertain Significance. Advanced modeling of protein sequence and biophysical properties (such as structural, functional, and spatial information, amino acid conservation, physicochemical variation, residue mobility, and thermodynamic stability) performed at Invitae indicates that this missense variant is expected to disrupt RAG2 protein function. This variant has not been reported in the literature in individuals affected with RAG2-related conditions.

Literature cited by the submitters: PubMed 37898571 (cited by Myriad Genetics, Inc.).

NM_000536.4(RAG2):c.286G>A (p.Gly96Arg)

Gene: RAG2 (recombination activating 2; minus strand). Cytogenetic location: 11p12.
Variant type: single nucleotide variant.
Coding change: c.286G>A on transcript NM_000536.4 (MANE Select); coding-DNA position 286, G replaced by A.
Protein change: p.Gly96Arg; replaces glycine 96 with arginine.
Molecular consequence: missense variant.
Genome position (GRCh38, 1-based): chr11:36,593,883, C>T on the plus strand (G>A on the coding strand, the complement: RAG2 is on the minus strand). VCF-style: chr11-36593883-C-T. GRCh37 (hg19) VCF-style: chr11-36615433-C-T.
Other names: c.286G>A, p.Gly96Arg (NM_001243785.2, NM_001243786.2); short protein forms G96R.
Identifiers: ClinVar variation 2000032 (VCV002000032.4), dbSNP rs957150515, ClinGen allele CA220580536.